The following is an entry in ClinVar:

NM_001267550.2(TTN):c.46964T>C (p.Ile15655Thr)

Genes: TTN (titin; minus strand), TTN-AS1 (TTN antisense RNA 1; plus strand). Cytogenetic location: 2q31.2.
Variant type: single nucleotide variant.
Coding change: c.46964T>C on transcript NM_001267550.2 (MANE Select); coding-DNA position 46964, T replaced by C.
Protein change: p.Ile15655Thr; replaces isoleucine 15655 with threonine.
Molecular consequence: missense variant.
Genome position (GRCh38, 1-based): chr2:178,618,586, A>G on the plus strand (T>C on the coding strand, the complement: TTN is on the minus strand). VCF-style: chr2-178618586-A-G. GRCh37 (hg19) VCF-style: chr2-179483313-A-G.
Other names: c.42041T>C, p.Ile14014Thr (NM_001256850.1); c.19769T>C, p.Ile6590Thr (NM_003319.4); c.39260T>C, p.Ile13087Thr (NM_133378.4); c.20144T>C, p.Ile6715Thr (NM_133432.3); c.20345T>C, p.Ile6782Thr (NM_133437.4); short protein forms I13087T, I14014T, I15655T, I6590T, I6715T, I6782T.
Identifiers: ClinVar variation 3902382 (VCV003902382.1).

ClinVar aggregate classification (germline): Uncertain significance (1 of 4 stars; one submission).

gnomAD v4.1: 17 of 1,611,424 alleles (0.0011%); highest among the groups gnomAD compares: African/African-American, 0.015%; no homozygotes.

Submission:

Women's Health and Genetics/Laboratory Corporation of America, LabCorp
Classification: Uncertain significance. Last evaluated: 2025-05-08. Review status: criteria provided, single submitter. Criteria: LabCorp Variant Classification Summary - May 2015. Collection method: clinical testing. Allele origin: germline.
Comment: Variant summary: TTN c.39260T>C (p.Ile13087Thr) results in a non-conservative amino acid change in the encoded protein sequence near a canonical splice donor site. Algorithms developed to predict the effect of missense changes on protein structure and function are either unavailable or do not agree on the potential impact of this missense change. Consensus agreement among computation tools predict no significant impact on normal splicing. However, these predictions have yet to be confirmed by functional studies. The variant allele was found at a frequency of 8.1e-06 in 247178 control chromosomes. The available data on variant occurrences in the general population are insufficient to allow any conclusion about variant significance. To our knowledge, no occurrence of c.39260T>C in individuals affected with Autosomal Recessive Titinopathy and no experimental evidence demonstrating its impact on protein function have been reported. No submitters have cited clinical-significance assessments for this variant to ClinVar. Based on the evidence outlined above, the variant was classified as uncertain significance.